The following is an entry in ClinVar:

ClinVar aggregate classification (germline): Uncertain significance (1 of 4 stars; one submission).

Allele frequency attached by ClinVar (database versions not stated): TOPMed 0.00002.
gnomAD v4.1: 7 of 1,612,562 alleles (0.00043%); highest among the groups gnomAD compares: South Asian, 0.0033%; no homozygotes.

Submission:

Labcorp Genetics (formerly Invitae), Labcorp
Classification: Uncertain significance. Last evaluated: 2022-03-07. Review status: criteria provided, single submitter. Criteria: Invitae Variant Classification Sherloc (09022015). Collection method: clinical testing. Allele origin: germline.
Comment: This sequence change replaces arginine, which is basic and polar, with tryptophan, which is neutral and slightly polar, at codon 676 of the ERCC3 protein (p.Arg676Trp). This variant is not present in population databases (gnomAD no frequency). This variant has not been reported in the literature in individuals affected with ERCC3-related conditions. ClinVar contains an entry for this variant (Variation ID: 1008184). Algorithms developed to predict the effect of missense changes on protein structure and function are either unavailable or do not agree on the potential impact of this missense change (SIFT: "Deleterious"; PolyPhen-2: "Probably Damaging"; Align-GVGD: "Class C0"). In summary, the available evidence is currently insufficient to determine the role of this variant in disease. Therefore, it has been classified as a Variant of Uncertain Significance.

NM_000122.2(ERCC3):c.2026C>T (p.Arg676Trp)

Gene: ERCC3 (ERCC excision repair 3, TFIIH core complex helicase subunit; minus strand). Cytogenetic location: 2q14.3.
Variant type: single nucleotide variant.
Coding change: c.2026C>T on transcript NM_000122.2 (MANE Select); coding-DNA position 2026, C replaced by T.
Protein change: p.Arg676Trp; replaces arginine 676 with tryptophan.
Molecular consequence: missense variant.
Genome position (GRCh38, 1-based): chr2:127,261,266, G>A on the plus strand (C>T on the coding strand, the complement: ERCC3 is on the minus strand). VCF-style: chr2-127261266-G-A. GRCh37 (hg19) VCF-style: chr2-128018842-G-A.
Other names: c.1834C>T, p.Arg612Trp (NM_001303416.2, NM_001303418.2); short protein forms R612W, R676W.
Identifiers: ClinVar variation 1008184 (VCV001008184.6), dbSNP rs922942314, ClinGen allele CA55372397.